The following is an entry in ClinVar:

ClinVar aggregate classification (germline): Uncertain significance (1 of 4 stars; one submission).

Allele frequency attached by ClinVar (database versions not stated): TOPMed below 0.00001.

Submission:

Labcorp Genetics (formerly Invitae), Labcorp
Classification: Uncertain significance. Last evaluated: 2022-08-31. Review status: criteria provided, single submitter. Criteria: Invitae Variant Classification Sherloc (09022015). Collection method: clinical testing. Allele origin: germline.
Comment: In summary, the available evidence is currently insufficient to determine the role of this variant in disease. Therefore, it has been classified as a Variant of Uncertain Significance. Algorithms developed to predict the effect of missense changes on protein structure and function are either unavailable or do not agree on the potential impact of this missense change (SIFT: "Not Available"; PolyPhen-2: "Probably Damaging"; Align-GVGD: "Not Available"). This variant has not been reported in the literature in individuals affected with MCPH1-related conditions. This variant is not present in population databases (gnomAD no frequency). This sequence change replaces aspartic acid, which is acidic and polar, with glutamic acid, which is acidic and polar, at codon 87 of the MCPH1 protein (p.Asp87Glu).

NM_024596.5(MCPH1):c.261T>G (p.Asp87Glu)

Gene: MCPH1 (microcephalin 1; plus strand). Cytogenetic location: 8p23.1.
Variant type: single nucleotide variant.
Coding change: c.261T>G on transcript NM_024596.5 (MANE Select); coding-DNA position 261, T replaced by G.
Protein change: p.Asp87Glu; replaces aspartic acid 87 with glutamic acid.
Molecular consequence: missense variant. On other transcripts: non-coding transcript variant (1).
Genome position (GRCh38, 1-based): chr8:6,431,526, T>G. VCF-style: chr8-6431526-T-G. GRCh37 (hg19) VCF-style: chr8-6289047-T-G.
Other names: c.261T>G, p.Asp87Glu (NM_001172574.2, NM_001172575.2, NM_001322042.2 and 4 more transcripts); c.255T>G, p.Asp85Glu (NM_001322043.2); c.159T>G, p.Asp53Glu (NM_001322045.2); short protein forms D53E, D85E, D87E.
Identifiers: ClinVar variation 2006438 (VCV002006438.4), dbSNP rs1801837549, ClinGen allele CA370216996.